The following is an entry in ClinVar:

ClinVar aggregate classification (germline): Benign. Review status: criteria provided, multiple submitters, no conflicts (2 of 4 stars). 2 submissions from 2 submitters: Benign (2). Last evaluated 2018-01-13.

Conditions:
Congenital bile acid synthesis defect 2 (CBAS2). Also called: CHOLESTASIS WITH DELTA(4)-3-OXOSTEROID 5-BETA-REDUCTASE DEFICIENCY. Identifiers: Orphanet 79303, MedGen C1856127, MONDO:0009339, OMIM 235555.

Allele frequency attached by ClinVar (database versions not stated): gnomAD 0.12667 and 0.13508; 1000 Genomes Project 0.13079; TOPMed 0.14033; 1000 Genomes Project 30x 0.14116.

Submissions (2):

Illumina Laboratory Services, Illumina
Classification: Benign for Congenital bile acid synthesis defect 2. Last evaluated: 2018-01-13. Review status: criteria provided, single submitter. Criteria: ICSL Variant Classification Criteria 13 December 2019. Collection method: clinical testing. Allele origin: germline.
Comment: This variant was observed in the ICSL laboratory as part of a predisposition screen in an ostensibly healthy population. It had not been previously curated by ICSL or reported in the Human Gene Mutation Database (HGMD: prior to June 1st, 2018), and was therefore a candidate for classification through an automated scoring system. Utilizing variant allele frequency, disease prevalence and penetrance estimates, and inheritance mode, an automated score was calculated to assess if this variant is too frequent to cause the disease. Based on the score and internal cut-off values, a variant classified as benign is not then subjected to further curation. The score for this variant resulted in a classification of benign for this disease.

Breakthrough Genomics
Classification: Benign. Review status: criteria provided, single submitter. Criteria: ACMG Guidelines, 2015. Collection method: not provided. Allele origin: germline. Inheritance: Autosomal recessive inheritance. Affected: yes.

NM_005989.4(AKR1D1):c.*1417C>T

Gene: AKR1D1 (aldo-keto reductase family 1 member D1; plus strand). Cytogenetic location: 7q33.
Variant type: single nucleotide variant.
Coding change: c.*1417C>T on transcript NM_005989.4 (MANE Select); 1417 bases downstream of the stop codon, C replaced by T.
Molecular consequence: 3 prime UTR variant.
Genome position (GRCh38, 1-based): chr7:138,118,079, C>T. VCF-style: chr7-138118079-C-T. GRCh37 (hg19) VCF-style: chr7-137802825-C-T.
Other names: c.*1417C>T (NM_001190906.2); c.*1442C>T (NM_001190907.2).
Identifiers: ClinVar variation 358997 (VCV000358997.6), dbSNP rs17169522, ClinGen allele CA10628240.